The following is an entry in ClinVar:

ClinVar aggregate classification (germline): Likely pathogenic (1 of 4 stars; one submission).

gnomAD v4.1: 2 of 1,614,016 alleles (0.00012%); highest among the groups gnomAD compares: African/African-American, 0.0027%; no homozygotes.

Submission:

Labcorp Genetics (formerly Invitae), Labcorp
Classification: Likely pathogenic. Last evaluated: 2024-02-06. Review status: criteria provided, single submitter. Criteria: Invitae Variant Classification Sherloc (09022015). Collection method: clinical testing. Allele origin: germline.
Comment: This sequence change replaces threonine, which is neutral and polar, with asparagine, which is neutral and polar, at codon 887 of the ABCC8 protein (p.Thr887Asn). This variant is not present in population databases (gnomAD no frequency). This variant has not been reported in the literature in individuals affected with ABCC8-related conditions. Advanced modeling of protein sequence and biophysical properties (such as structural, functional, and spatial information, amino acid conservation, physicochemical variation, residue mobility, and thermodynamic stability) performed at Invitae indicates that this missense variant is expected to disrupt ABCC8 protein function with a positive predictive value of 95%. This variant disrupts the p.Thr887 amino acid residue in ABCC8. Other variant(s) that disrupt this residue have been determined to be pathogenic (PMID: 21536946). This suggests that this residue is clinically significant, and that variants that disrupt this residue are likely to be disease-causing. In summary, the currently available evidence indicates that the variant is pathogenic, but additional data are needed to prove that conclusively. Therefore, this variant has been classified as Likely Pathogenic.

Literature cited by the submitters: PubMed 21536946.

NM_000352.6(ABCC8):c.2660C>A (p.Thr887Asn)

Gene: ABCC8 (ATP binding cassette subfamily C member 8; minus strand). Cytogenetic location: 11p15.1.
Variant type: single nucleotide variant.
Coding change: c.2660C>A on transcript NM_000352.6 (MANE Select); coding-DNA position 2660, C replaced by A.
Protein change: p.Thr887Asn; replaces threonine 887 with asparagine.
Molecular consequence: missense variant. On other transcripts: non-coding transcript variant (1).
Genome position (GRCh38, 1-based): chr11:17,410,550, G>T on the plus strand (C>A on the coding strand, the complement: ABCC8 is on the minus strand). VCF-style: chr11-17410550-G-T. GRCh37 (hg19) VCF-style: chr11-17432097-G-T.
Other names: c.2663C>A, p.Thr888Asn (NM_001287174.3); c.2726C>A, p.Thr909Asn (NM_001351295.2); c.2660C>A, p.Thr887Asn (NM_001351296.2); c.2657C>A, p.Thr886Asn (NM_001351297.2); short protein forms T888N, T909N, T887N, T886N.
Identifiers: ClinVar variation 3716938 (VCV003716938.2).